The following is an entry in ClinVar:

ClinVar aggregate classification (germline): Uncertain significance (1 of 4 stars; one submission).

Submission:

Ambry Genetics
Classification: Uncertain significance. Last evaluated: 2022-09-28. Review status: criteria provided, single submitter. Criteria: Ambry Variant Classification Scheme 2023. Collection method: clinical testing. Allele origin: germline.
Comment: The p.F3750V variant (also known as c.11248T>G), located in coding exon 79 of the PRKDC gene, results from a T to G substitution at nucleotide position 11248. The phenylalanine at codon 3750 is replaced by valine, an amino acid with highly similar properties. This amino acid position is conserved. In addition, this alteration is predicted to be deleterious by in silico analysis. Since supporting evidence is limited at this time, the clinical significance of this alteration remains unclear.

NM_006904.7(PRKDC):c.11248T>G (p.Phe3750Val)

Gene: PRKDC (protein kinase, DNA-activated, catalytic subunit; minus strand). Cytogenetic location: 8q11.21.
Variant type: single nucleotide variant.
Coding change: c.11248T>G on transcript NM_006904.7 (MANE Select); coding-DNA position 11248, T replaced by G.
Protein change: p.Phe3750Val; replaces phenylalanine 3750 with valine.
Molecular consequence: missense variant.
Genome position (GRCh38, 1-based): chr8:47,782,526, A>C on the plus strand (T>G on the coding strand, the complement: PRKDC is on the minus strand). VCF-style: chr8-47782526-A-C. GRCh37 (hg19) VCF-style: chr8-48695087-A-C.
Other names: c.11248T>G, p.Phe3750Val (NM_001081640.2); short protein forms F3750V.
Identifiers: ClinVar variation 1798590 (VCV001798590.2), dbSNP rs2551860418, ClinGen allele CA371130059.